The following is an entry in ClinVar:

ClinVar aggregate classification (germline): Uncertain significance. Review status: criteria provided, multiple submitters, no conflicts (2 of 4 stars). 2 submissions from 2 submitters: Uncertain significance (2). Last evaluated 2025-02-07.

Conditions:
Obesity due to leptin receptor gene deficiency. Identifiers: Orphanet 179494, MedGen C3554225, MONDO:0013992, OMIM 614963.
LEPR-related disorder. Also called: LEPR-related condition; LEPR-related disorders.

Allele frequency attached by ClinVar (database versions not stated): TOPMed below 0.00001; gnomAD exomes 0.00003; ExAC 0.00004.
gnomAD v4.1: 48 of 1,614,062 alleles (0.003%); highest among the groups gnomAD compares: Admixed American, 0.01%; no homozygotes.

Submissions (2):

PreventionGenetics, part of Exact Sciences
Classification: Uncertain significance for LEPR-related condition. Last evaluated: 2025-02-07. Review status: criteria provided, single submitter. Criteria: ACMG Guidelines, 2015. Collection method: clinical testing. Allele origin: germline.
Comment: The LEPR c.2185T>G variant is predicted to result in the amino acid substitution p.Leu729Val. This variant was observed in a cohort of obese individuals, and in vitro functional studies show strong evidence of loss of function (Table 3 and Supplemental Data Set, Shah et al. 2023. PubMed ID: 36864747). This variant is reported in 0.017% of alleles in individuals of Latino descent in gnomAD. Although we suspect this variant may be pathogenic, at this time, the clinical significance of this variant is uncertain due to the absence of conclusive functional and genetic evidence.

Illumina Laboratory Services, Illumina
Classification: Uncertain significance for Obesity due to leptin receptor gene deficiency. Last evaluated: 2018-01-13. Review status: criteria provided, single submitter. Criteria: ICSL Variant Classification Criteria 13 December 2019. Collection method: clinical testing. Allele origin: germline.

NM_002303.6(LEPR):c.2185T>G (p.Leu729Val)

Genes: LEPR (leptin receptor; plus strand), LOC122094844 (Sharpr-MPRA regulatory region 5730; plus strand). Cytogenetic location: 1p31.3.
Variant type: single nucleotide variant.
Coding change: c.2185T>G on transcript NM_002303.6 (MANE Select); coding-DNA position 2185, T replaced by G.
Protein change: p.Leu729Val; replaces leucine 729 with valine.
Molecular consequence: missense variant.
Genome position (GRCh38, 1-based): chr1:65,616,197, T>G. VCF-style: chr1-65616197-T-G. GRCh37 (hg19) VCF-style: chr1-66081880-T-G.
Other names: c.2185T>G, p.Leu729Val (NM_001003679.3, NM_001003680.3, NM_001198687.2 and 2 more transcripts); short protein forms L729V.
Identifiers: ClinVar variation 875882 (VCV000875882.5), dbSNP rs768503592, ClinGen allele CA894962.